The following is an entry in ClinVar:

NM_012330.4(KAT6B):c.3005G>A (p.Arg1002Gln)

Gene: KAT6B (lysine acetyltransferase 6B; plus strand). Cytogenetic location: 10q22.2.
Variant type: single nucleotide variant.
Coding change: c.3005G>A on transcript NM_012330.4 (MANE Select); coding-DNA position 3005, G replaced by A.
Protein change: p.Arg1002Gln; replaces arginine 1002 with glutamine.
Molecular consequence: missense variant.
Genome position (GRCh38, 1-based): chr10:75,021,269, G>A. VCF-style: chr10-75021269-G-A. GRCh37 (hg19) VCF-style: chr10-76781027-G-A.
Other names: c.2456G>A, p.Arg819Gln (NM_001256468.2, NM_001370138.1); c.2129G>A, p.Arg710Gln (NM_001256469.2, NM_001370139.1, NM_001370140.1 and 2 more transcripts); c.1967G>A, p.Arg656Gln (NM_001370132.1); c.1316G>A, p.Arg439Gln (NM_001370133.1); c.920G>A, p.Arg307Gln (NM_001370134.1); c.662G>A, p.Arg221Gln (NM_001370135.1); c.3005G>A, p.Arg1002Gln (NM_001370136.1, NM_001370137.1); c.1940G>A, p.Arg647Gln (NM_001370143.1, NM_001370144.1); short protein forms R1002Q, R221Q, R307Q, R439Q, R647Q, R656Q, R710Q, R819Q.
Identifiers: ClinVar variation 1306125 (VCV001306125.4), dbSNP rs201735610, ClinGen allele CA209701496.

ClinVar aggregate classification (germline): Uncertain significance. Review status: criteria provided, multiple submitters, no conflicts (2 of 4 stars). 2 submissions from 2 submitters: Uncertain significance (2). Last evaluated 2024-07-23.

Conditions:
Genitopatellar syndrome (GTPTS). Also called: Genitopatellar syndrome (GPS); ABSENT PATELLAE, SCROTAL HYPOPLASIA, RENAL ANOMALIES, FACIAL DYSMORPHISM, AND MENTAL RETARDATION. Identifiers: Orphanet 85201, MedGen C1853566, MONDO:0011640, OMIM 606170.

Allele frequency attached by ClinVar (database versions not stated): gnomAD exomes 0.00001; TOPMed 0.00001.
gnomAD v4.1: 12 of 1,614,112 alleles (0.00074%); highest among the groups gnomAD compares: Middle Eastern, 0.016%; no homozygotes.

Submissions (2):

Labcorp Genetics (formerly Invitae), Labcorp
Classification: Uncertain significance for Genitopatellar syndrome. Last evaluated: 2024-07-23. Review status: criteria provided, single submitter. Criteria: Invitae Variant Classification Sherloc (09022015). Collection method: clinical testing. Allele origin: germline.
Comment: This sequence change replaces arginine, which is basic and polar, with glutamine, which is neutral and polar, at codon 1002 of the KAT6B protein (p.Arg1002Gln). This variant is not present in population databases (gnomAD no frequency). This variant has not been reported in the literature in individuals affected with KAT6B-related conditions. ClinVar contains an entry for this variant (Variation ID: 1306125). Advanced modeling of protein sequence and biophysical properties (such as structural, functional, and spatial information, amino acid conservation, physicochemical variation, residue mobility, and thermodynamic stability) performed at Invitae indicates that this missense variant is not expected to disrupt KAT6B protein function with a negative predictive value of 80%. In summary, the available evidence is currently insufficient to determine the role of this variant in disease. Therefore, it has been classified as a Variant of Uncertain Significance.

GeneDx
Classification: Uncertain significance. Last evaluated: 2019-05-21. Review status: criteria provided, single submitter. Criteria: GeneDx Variant Classification Process June 2021. Collection method: clinical testing. Allele origin: germline. Affected: yes.
Comment: Identified in a healthy control individual who is part of the ClinSeq cohort in published literature (Clayton-Smith et al., 2011); Not observed in large population cohorts (Lek et al., 2016); In silico analysis, which includes protein predictors and evolutionary conservation, supports that this variant does not alter protein structure/function; This variant is associated with the following publications: (PMID: 22077973)